The following is an entry in ClinVar:

ClinVar aggregate classification (germline): Uncertain significance. Review status: criteria provided, multiple submitters, no conflicts (2 of 4 stars). 2 submissions from 2 submitters: Uncertain significance (2). Last evaluated 2024-06-11.

Conditions:
Inborn genetic diseases. Identifiers: MedGen C0950123, MeSH D030342.
Joubert syndrome. Also called: CEREBELLOPARENCHYMAL DISORDER IV; JOUBERT-BOLTSHAUSER SYNDROME; Familial aplasia of the vermis. Identifiers: Orphanet 475, MedGen C5979921, MONDO:0018772.
Meckel-Gruber syndrome. Also called: DYSENCEPHALIA SPLANCHNOCYSTICA; GRUBER SYNDROME; Dysencephalia splachnocystica. Identifiers: Orphanet 564, MedGen C0265215, MONDO:0018921.

Allele frequency attached by ClinVar (database versions not stated): ExAC 0.00004.
gnomAD v4.1: 3 of 1,577,752 alleles (0.00019%); highest among the groups gnomAD compares: Admixed American, 0.0018%; no homozygotes.

Submissions (2):

Ambry Genetics
Classification: Uncertain significance for Inborn genetic diseases. Last evaluated: 2024-06-11. Review status: criteria provided, single submitter. Criteria: Ambry Variant Classification Scheme 2023. Collection method: clinical testing. Allele origin: germline.

Labcorp Genetics (formerly Invitae), Labcorp
Classification: Uncertain significance for Joubert syndrome; Meckel-Gruber syndrome. Last evaluated: 2022-08-16. Review status: criteria provided, single submitter. Criteria: Invitae Variant Classification Sherloc (09022015). Collection method: clinical testing. Allele origin: germline.
Comment: This sequence change replaces valine, which is neutral and non-polar, with methionine, which is neutral and non-polar, at codon 17 of the B9D1 protein (p.Val17Met). The frequency data for this variant in the population databases is considered unreliable, as metrics indicate poor data quality at this position in the gnomAD database. This variant has not been reported in the literature in individuals affected with B9D1-related conditions. Algorithms developed to predict the effect of missense changes on protein structure and function are either unavailable or do not agree on the potential impact of this missense change (SIFT: "Deleterious"; PolyPhen-2: "Probably Damaging"; Align-GVGD: "Class C0"). In summary, the available evidence is currently insufficient to determine the role of this variant in disease. Therefore, it has been classified as a Variant of Uncertain Significance.

NM_015681.6(B9D1):c.49G>A (p.Val17Met)

Genes: B9D1 (B9 domain containing 1; minus strand), LOC130060455 (ATAC-STARR-seq lymphoblastoid silent region 8288; plus strand). Cytogenetic location: 17p11.2.
Variant type: single nucleotide variant.
Coding change: c.49G>A on transcript NM_015681.6 (MANE Select); coding-DNA position 49, G replaced by A.
Protein change: p.Val17Met; replaces valine 17 with methionine.
Molecular consequence: missense variant. On other transcripts: intron variant (1).
Genome position (GRCh38, 1-based): chr17:19,362,521, C>T on the plus strand (G>A on the coding strand, the complement: B9D1 is on the minus strand). VCF-style: chr17-19362521-C-T. GRCh37 (hg19) VCF-style: chr17-19265834-C-T.
Other names: c.49G>A, p.Val17Met (NM_001321214.2, NM_001321215.3, NM_001321216.2 and 4 more transcripts); c.-297-2133G>A (NM_001368769.2); c.49G>A (NM_015681.3); short protein forms V17M.
Identifiers: ClinVar variation 2041483 (VCV002041483.2), dbSNP rs758139304, ClinGen allele CA8440392.
Genomic context (GRCh38, chr17:19,362,521, plus strand): 5'-GGGGGACGCTGGGGGGCGGGCCCCGGCGGGGTCCACGGCCGCTCACCTGGGCGCTCTCCA[C>T]CTGCCCGTTGACCATGAGTAGAAAGACGCTAGGACTCGCGGTCGCCATGGCAGGTCTGGG-3'
Protein context (NP_056496.1, residues 7-27): SVFLLMVNGQ[Val17Met]ESAQFPEYDD